The following is an entry in ClinVar:

NM_014014.5(SNRNP200):c.1981G>C (p.Val661Leu)

Gene: SNRNP200 (small nuclear ribonucleoprotein U5 subunit 200; minus strand). Cytogenetic location: 2q11.2.
Variant type: single nucleotide variant.
Coding change: c.1981G>C on transcript NM_014014.5 (MANE Select); coding-DNA position 1981, G replaced by C.
Protein change: p.Val661Leu; replaces valine 661 with leucine.
Molecular consequence: missense variant.
Genome position (GRCh38, 1-based): chr2:96,293,371, C>G on the plus strand (G>C on the coding strand, the complement: SNRNP200 is on the minus strand). VCF-style: chr2-96293371-C-G. GRCh37 (hg19) VCF-style: chr2-96959109-C-G.
Other names: short protein forms V661L.
Identifiers: ClinVar variation 2021019 (VCV002021019.4), dbSNP rs2467342699, ClinGen allele CA347679969.

ClinVar aggregate classification (germline): Uncertain significance (1 of 4 stars; one submission).

Submission:

Labcorp Genetics (formerly Invitae), Labcorp
Classification: Uncertain significance. Last evaluated: 2022-08-01. Review status: criteria provided, single submitter. Criteria: Invitae Variant Classification Sherloc (09022015). Collection method: clinical testing. Allele origin: germline.
Comment: In summary, the available evidence is currently insufficient to determine the role of this variant in disease. Therefore, it has been classified as a Variant of Uncertain Significance. Algorithms developed to predict the effect of missense changes on protein structure and function are either unavailable or do not agree on the potential impact of this missense change (SIFT: "Deleterious"; PolyPhen-2: "Probably Damaging"; Align-GVGD: "Class C0"). This missense change has been observed in individual(s) with retinitis pigmentosa (PMID: 28076437). This variant is not present in population databases (gnomAD no frequency). This sequence change replaces valine, which is neutral and non-polar, with leucine, which is neutral and non-polar, at codon 661 of the SNRNP200 protein (p.Val661Leu).

Literature cited by the submitters: PubMed 28076437.